The following is an entry in ClinVar:

ClinVar aggregate classification (germline): Uncertain significance (1 of 4 stars; one submission).

Conditions:
CCND1-related disorder. Also called: CCND1-related condition.

gnomAD v4.1: 10 of 1,600,484 alleles (0.00062%); highest among the groups gnomAD compares: Admixed American, 0.0017%; no homozygotes.

Submission:

PreventionGenetics, part of Exact Sciences
Classification: Uncertain significance for CCND1-related condition. Last evaluated: 2024-12-02. Review status: criteria provided, single submitter. Criteria: ACMG Guidelines, 2015. Collection method: clinical testing. Allele origin: germline.
Comment: The CCND1 c.379T>C variant is predicted to result in the amino acid substitution p.Tyr127His. To our knowledge, this variant has not been reported in the literature. This variant is absent from one large public population database, indicating that this variant is rare in the general population (gnomAD). At this time, the clinical significance of this variant is uncertain due to the absence of conclusive functional and genetic evidence.

NM_053056.3(CCND1):c.379T>C (p.Tyr127His)

Genes: CCND1 (cyclin D1; plus strand), LOC130006292 (ATAC-STARR-seq lymphoblastoid silent region 3696; plus strand). Cytogenetic location: 11q13.3.
Variant type: single nucleotide variant.
Coding change: c.379T>C on transcript NM_053056.3 (MANE Select); coding-DNA position 379, T replaced by C.
Protein change: p.Tyr127His; replaces tyrosine 127 with histidine.
Molecular consequence: missense variant.
Genome position (GRCh38, 1-based): chr11:69,643,211, T>C. VCF-style: chr11-69643211-T-C. GRCh37 (hg19) VCF-style: chr11-69457979-T-C.
Other names: short protein forms Y127H.
Identifiers: ClinVar variation 4997445 (VCV004997445.1).